The following is an entry in ClinVar:

ClinVar aggregate classification (germline): Uncertain significance (1 of 4 stars; one submission).

Submission:

Labcorp Genetics (formerly Invitae), Labcorp
Classification: Uncertain significance. Last evaluated: 2021-06-05. Review status: criteria provided, single submitter. Criteria: Invitae Variant Classification Sherloc (09022015). Collection method: clinical testing. Allele origin: germline.
Comment: In summary, the available evidence is currently insufficient to determine the role of this variant in disease. Therefore, it has been classified as a Variant of Uncertain Significance. This variant is not present in population databases (ExAC no frequency). This sequence change replaces threonine with isoleucine at codon 442 of the VPS13A protein (p.Thr442Ile). The threonine residue is weakly conserved and there is a moderate physicochemical difference between threonine and isoleucine. This variant has not been reported in the literature in individuals with VPS13A-related conditions. Algorithms developed to predict the effect of missense changes on protein structure and function (SIFT, PolyPhen-2, Align-GVGD) all suggest that this variant is likely to be tolerated, but these predictions have not been confirmed by published functional studies and their clinical significance is uncertain.

NM_033305.3(VPS13A):c.1325C>T (p.Thr442Ile)

Gene: VPS13A (vacuolar protein sorting 13 homolog A; plus strand). Cytogenetic location: 9q21.2.
Variant type: single nucleotide variant.
Coding change: c.1325C>T on transcript NM_033305.3 (MANE Select); coding-DNA position 1325, C replaced by T.
Protein change: p.Thr442Ile; replaces threonine 442 with isoleucine.
Molecular consequence: missense variant.
Genome position (GRCh38, 1-based): chr9:77,226,566, C>T. VCF-style: chr9-77226566-C-T. GRCh37 (hg19) VCF-style: chr9-79841482-C-T.
Other names: c.1325C>T, p.Thr442Ile (NM_001018037.2, NM_001018038.3, NM_015186.4); short protein forms T442I.
Identifiers: ClinVar variation 1353436 (VCV001353436.8), dbSNP rs2131195757, ClinGen allele CA373845298.
Genomic context (GRCh38, chr9:77,226,566, plus strand): 5'-AAGATCCAGAGGATAATAAAGGGTGGTTTAGCTGGCTATGGTCTTGGTCAGAACAAAATA[C>T]TAATGAACAGCAACCAGATGTTCAACCTGAAAGTATGTCCATTTCATTTTACAGCATAGT-3'
Protein context (NP_150648.2, residues 432-452): SWLWSWSEQN[Thr442Ile]NEQQPDVQPE